The following is an entry in ClinVar:

NM_001256071.3(RNF213):c.4872C>T (p.Ile1624=)

Gene: RNF213 (ring finger protein 213; plus strand). Cytogenetic location: 17q25.3.
Variant type: single nucleotide variant.
Coding change: c.4872C>T on transcript NM_001256071.3 (MANE Select); coding-DNA position 4872, C replaced by T.
Protein change: p.Ile1624=; no amino-acid change (isoleucine 1624 retained).
Molecular consequence: synonymous variant.
Genome position (GRCh38, 1-based): chr17:80,339,239, C>T. VCF-style: chr17-80339239-C-T. GRCh37 (hg19) VCF-style: chr17-78313039-C-T.
Other names: c.5019C>T, p.Ile1673= (NM_001410195.1, NM_020914.5).
Identifiers: ClinVar variation 1879385 (VCV001879385.29), dbSNP rs943611265, ClinGen allele CA294911844.

ClinVar aggregate classification (germline): Likely benign (1 of 4 stars; one submission).

Allele frequency attached by ClinVar (database versions not stated): gnomAD exomes 0.00001; TOPMed 0.00001.
gnomAD v4.1: 13 of 1,505,888 alleles (0.00086%); highest among the groups gnomAD compares: Admixed American, 0.002%; no homozygotes.

Submission:

CeGaT Center for Human Genetics Tuebingen
Classification: Likely benign. Last evaluated: 2022-12-01. Review status: criteria provided, single submitter. Criteria: CeGaT Center For Human Genetics Tuebingen Variant Classification Criteria Version 2. Collection method: clinical testing. Allele origin: germline. Affected: yes. Observed: 1 variant allele.
Comment: RNF213: BP4, BP7